The following is an entry in ClinVar:

NM_000059.4(BRCA2):c.8734G>C (p.Ala2912Pro)

Gene: BRCA2 (BRCA2 DNA repair associated; plus strand). Cytogenetic location: 13q13.1.
Variant type: single nucleotide variant.
Coding change: c.8734G>C on transcript NM_000059.4 (MANE Select); coding-DNA position 8734, G replaced by C.
Protein change: p.Ala2912Pro; replaces alanine 2912 with proline.
Molecular consequence: missense variant. On other transcripts: non-coding transcript variant (1).
Genome position (GRCh38, 1-based): chr13:32,376,771, G>C. VCF-style: chr13-32376771-G-C. GRCh37 (hg19) VCF-style: chr13-32950908-G-C.
Other names: c.8638G>C, p.Ala2880Pro (NM_001406719.1); c.8734G>C, p.Ala2912Pro (NM_001406720.1, NM_001432077.1); c.3802G>C, p.Ala1268Pro (NM_001406721.1); c.2317G>C, p.Ala773Pro (NM_001406722.1); short protein forms A2912P, A1268P, A2880P, A773P.
Identifiers: ClinVar variation 3992773 (VCV003992773.2).

ClinVar aggregate classification (germline): Conflicting classifications of pathogenicity. Review status: criteria provided, conflicting classifications (1 of 4 stars). 2 submissions from 2 submitters: Uncertain significance (1); Benign (1). Last evaluated 2025-04-09.

Conditions:
Hereditary cancer-predisposing syndrome. Also called: Tumor predisposition; Hereditary neoplastic syndrome; Neoplastic Syndromes, Hereditary; Hereditary Cancer Syndrome. Identifiers: Orphanet 140162, MedGen C0027672, MeSH D009386, MONDO:0015356.
Hereditary breast ovarian cancer syndrome. Also called: Hereditary breast and ovarian cancer syndrome; Hereditary breast and ovarian cancer; Hereditary breast and ovarian cancer syndrome (HBOC); Breast and ovarian cancer; Hereditary breast and/or ovarian cancer syndrome; BRCA1- and BRCA2-Associated Hereditary Breast and Ovarian Cancer. Identifiers: Orphanet 145, MedGen C0677776, MeSH D061325, MONDO:0003582. Disease mechanism: loss of function.

Submissions (2):

Ambry Genetics
Classification: Benign for Hereditary cancer-predisposing syndrome. Last evaluated: 2025-04-09. Review status: criteria provided, single submitter. Criteria: Ambry Variant Classification Scheme 2023. Collection method: clinical testing. Allele origin: germline.

Labcorp Genetics (formerly Invitae), Labcorp
Classification: Uncertain significance for Hereditary breast ovarian cancer syndrome. Last evaluated: 2025-03-05. Review status: criteria provided, single submitter. Criteria: Invitae Variant Classification Sherloc (09022015). Collection method: clinical testing. Allele origin: germline.
Comment: This sequence change replaces alanine, which is neutral and non-polar, with proline, which is neutral and non-polar, at codon 2912 of the BRCA2 protein (p.Ala2912Pro). This variant is not present in population databases (gnomAD no frequency). This variant has not been reported in the literature in individuals affected with BRCA2-related conditions. Invitae Evidence Modeling of protein sequence and biophysical properties (such as structural, functional, and spatial information, amino acid conservation, physicochemical variation, residue mobility, and thermodynamic stability) indicates that this missense variant is not expected to disrupt BRCA2 protein function with a negative predictive value of 95%. In summary, the available evidence is currently insufficient to determine the role of this variant in disease. Therefore, it has been classified as a Variant of Uncertain Significance.